The following is an entry in ClinVar:

NM_170606.3(KMT2C):c.1402C>A (p.Pro468Thr)

Gene: KMT2C (lysine methyltransferase 2C; minus strand). Cytogenetic location: 7q36.1.
Variant type: single nucleotide variant.
Coding change: c.1402C>A on transcript NM_170606.3 (MANE Select); coding-DNA position 1402, C replaced by A.
Protein change: p.Pro468Thr; replaces proline 468 with threonine.
Molecular consequence: missense variant.
Genome position (GRCh38, 1-based): chr7:152,252,613, G>T on the plus strand (C>A on the coding strand, the complement: KMT2C is on the minus strand). VCF-style: chr7-152252613-G-T. GRCh37 (hg19) VCF-style: chr7-151949698-G-T.
Other names: short protein forms P468T.
Identifiers: ClinVar variation 134737 (VCV000134737.33), dbSNP rs140919432, ClinGen allele CA160647.

ClinVar aggregate classification (germline): Likely benign. Review status: criteria provided, multiple submitters, no conflicts (2 of 4 stars). 5 submissions from 5 submitters: Likely benign (4). 1 of the submissions does not count toward it. Last evaluated 2026-03-01.

Allele frequency attached by ClinVar (database versions not stated): TOPMed 0.00086; gnomAD 0.00099; 1000 Genomes Project 0.00100; 1000 Genomes Project 30x 0.00109; ESP Exome Variant Server 0.00146.
gnomAD v4.1: 2,112 of 1,613,302 alleles (0.13%); highest among the groups gnomAD compares: Non-Finnish European, 0.17%; 2 homozygotes.

Submissions (5):

CeGaT Center for Human Genetics Tuebingen
Classification: Likely benign. Last evaluated: 2026-03-01. Review status: criteria provided, single submitter. Criteria: CeGaT Center For Human Genetics Tuebingen Variant Classification Criteria Version 2. Collection method: clinical testing. Allele origin: germline. Affected: yes. Observed: 6 variant alleles.
Comment: KMT2C: BS1

Labcorp Genetics (formerly Invitae), Labcorp
Classification: Likely benign. Last evaluated: 2026-01-05. Review status: criteria provided, single submitter. Criteria: Invitae Variant Classification Sherloc (09022015). Collection method: clinical testing. Allele origin: germline.

Blueprint Genetics
Classification: Likely benign. Last evaluated: 2024-10-03. Review status: criteria provided, single submitter. Criteria: ACMG Guidelines, 2015. Collection method: clinical testing. Allele origin: germline.

Breakthrough Genomics
Classification: Likely benign. Review status: criteria provided, single submitter. Criteria: ACMG Guidelines, 2015. Collection method: not provided. Allele origin: germline. Inheritance: Autosomal dominant inheritance. Affected: yes.

ITMI
No classification provided. Condition: AllHighlyPenetrant. Last evaluated: 2013-09-19. Review status: no classification provided. Collection method: reference population. Allele origin: germline. Not counted in ClinVar's aggregate classification.
Comment: Please see associated publication for description of ethnicities

Literature cited by the submitters: PubMed 24728327 (cited by ITMI).